The following is an entry in ClinVar:

NM_173477.5(USH1G):c.1057G>A (p.Asp353Asn)

Gene: USH1G (USH1 protein network component sans; minus strand). Cytogenetic location: 17q25.1.
Variant type: single nucleotide variant.
Coding change: c.1057G>A on transcript NM_173477.5 (MANE Select); coding-DNA position 1057, G replaced by A.
Protein change: p.Asp353Asn; replaces aspartic acid 353 with asparagine.
Molecular consequence: missense variant.
Genome position (GRCh38, 1-based): chr17:74,919,779, C>T on the plus strand (G>A on the coding strand, the complement: USH1G is on the minus strand). VCF-style: chr17-74919779-C-T. GRCh37 (hg19) VCF-style: chr17-72915874-C-T.
Other names: c.748G>A, p.Asp250Asn (NM_001282489.3); short protein forms D353N, D250N.
Identifiers: ClinVar variation 852631 (VCV000852631.14), dbSNP rs775952116, ClinGen allele CA8753941.

ClinVar aggregate classification (germline): Uncertain significance. Review status: criteria provided, multiple submitters, no conflicts (2 of 4 stars). 3 submissions from 3 submitters: Uncertain significance (3). Last evaluated 2022-11-01.

Conditions:
Usher syndrome type 1G. Also called: USHER SYNDROME, TYPE IG, MILD. Identifiers: Orphanet 231169, Orphanet 886, MedGen C1847089, MONDO:0011748, OMIM 606943.

Allele frequency attached by ClinVar (database versions not stated): TOPMed 0.00001; gnomAD exomes 0.00002 and 0.00003; ExAC 0.00003.

Submissions (3):

Labcorp Genetics (formerly Invitae), Labcorp
Classification: Uncertain significance. Last evaluated: 2022-11-01. Review status: criteria provided, single submitter. Criteria: Invitae Variant Classification Sherloc (09022015). Collection method: clinical testing. Allele origin: germline.
Comment: ClinVar contains an entry for this variant (Variation ID: 852631). In summary, the available evidence is currently insufficient to determine the role of this variant in disease. Therefore, it has been classified as a Variant of Uncertain Significance. Advanced modeling of protein sequence and biophysical properties (such as structural, functional, and spatial information, amino acid conservation, physicochemical variation, residue mobility, and thermodynamic stability) performed at Invitae indicates that this missense variant is not expected to disrupt USH1G protein function. This variant has not been reported in the literature in individuals affected with USH1G-related conditions. This variant is present in population databases (rs775952116, gnomAD 0.05%). This sequence change replaces aspartic acid, which is acidic and polar, with asparagine, which is neutral and polar, at codon 353 of the USH1G protein (p.Asp353Asn).

Fulgent Genetics
Classification: Uncertain significance for Usher syndrome type 1G. Last evaluated: 2021-10-18. Review status: criteria provided, single submitter. Criteria: ACMG Guidelines, 2015. Collection method: clinical testing. Allele origin: unknown.

Illumina Laboratory Services, Illumina
Classification: Uncertain significance for Usher syndrome type 1G. Last evaluated: 2018-01-13. Review status: criteria provided, single submitter. Criteria: ICSL Variant Classification Criteria 13 December 2019. Collection method: clinical testing. Allele origin: germline.